The following is an entry in ClinVar:

ClinVar aggregate classification (germline): Uncertain significance (1 of 4 stars; one submission).

Submission:

GeneDx
Classification: Uncertain significance. Last evaluated: 2025-03-10. Review status: criteria provided, single submitter. Criteria: GeneDx Variant Classification Process June 2021. Collection method: clinical testing. Allele origin: germline. Affected: yes.
Comment: Not observed at significant frequency in large population cohorts (gnomAD); In silico analysis supports that this missense variant has a deleterious effect on protein structure/function; Has not been previously published as pathogenic or benign to our knowledge

NM_002473.6(MYH9):c.836A>G (p.Tyr279Cys)

Gene: MYH9 (myosin heavy chain 9; minus strand). Cytogenetic location: 22q12.3.
Variant type: single nucleotide variant.
Coding change: c.836A>G on transcript NM_002473.6 (MANE Select); coding-DNA position 836, A replaced by G.
Protein change: p.Tyr279Cys; replaces tyrosine 279 with cysteine.
Molecular consequence: missense variant.
Genome position (GRCh38, 1-based): chr22:36,320,830, T>C on the plus strand (A>G on the coding strand, the complement: MYH9 is on the minus strand). VCF-style: chr22-36320830-T-C. GRCh37 (hg19) VCF-style: chr22-36716875-T-C.
Other names: short protein forms Y279C.
Identifiers: ClinVar variation 4083187 (VCV004083187.1).